The following is an entry in ClinVar:

ClinVar aggregate classification (germline): Pathogenic (1 of 4 stars; one submission).

Conditions:
Koolen-de Vries syndrome (KDVS). Identifiers: Orphanet 96169, MedGen C1864871, MONDO:0012496, OMIM 610443.

Submission:

Kasturba Medical College, Manipal, Kasturba Medical College, Manipal, Manipal Academy of Higher Education, Manipal, India
Classification: Pathogenic for Koolen-de Vries syndrome. Review status: criteria provided, single submitter. Criteria: ACMG Guidelines, 2015. Collection method: research. Allele origin: de novo. Inheritance: Autosomal dominant inheritance. Affected: yes. Observed: 1 heterozygote.
Comment: The variant is absent in the population database gnomAD (v4.1.0) and from our in-house database of 3793 exomes in both heterozygous and/or homozygous state. This variant is predicted to cause shift in the reading frame of the transcript introducing a premature termination codon which can either lead to nonsense mediated mRNA decay or formation of a truncated protein product.

NM_015443.4(KANSL1):c.2526_2527delinsG (p.Thr843fs)

Gene: KANSL1 (KAT8 regulatory NSL complex subunit 1). Cytogenetic location: 17q21.31.
Variant type: Indel.
Coding change: c.2526_2527delinsG on transcript NM_015443.4 (MANE Select); coding-DNA positions 2526 to 2527, the reference bases replaced by G.
Protein change: p.Thr843fs; shifts the reading frame from threonine 843.
Molecular consequence: frameshift variant.
Genome position: GRCh38 VCF-style: chr17-46038552-TA-C. GRCh37 (hg19) VCF-style: chr17-44115918-TA-C.
Other names: c.1071_1072delinsG, p.Thr358fs (NM_001405885.1, NM_001405884.1); c.2337_2338delinsG, p.Thr780fs (NM_001405875.1, NM_001405876.1, NM_001405877.1 and 3 more transcripts); c.2424_2425delinsG, p.Thr809fs (NM_001405881.1, NM_001405859.1, NM_001405860.1 and 1 more transcripts); c.1260_1261delinsG, p.Thr421fs (NM_001405882.1, NM_001405883.1); c.2526_2527delinsG, p.Thr843fs (NM_001405858.1, NM_001405872.1, NM_001405873.1 and 8 more transcripts); short protein forms T358fs, T421fs, T780fs, T809fs, T843fs.
Identifiers: ClinVar variation 4294300 (VCV004294300.1).
Genomic context (GRCh38, chr17:46,038,552, plus strand): 5'-GTGACCTGCAGAGGGGGTGTCCGGCCAACCCCACACAGGTACTTACCGATGTGCTGGCTG[TA>C]ACCTGTGAGCTAGAGCTGGCGGGTGCAGGGGAATCTGAGGAGGTGGAGAGCTGTCGCACC-3'